The following is an entry in ClinVar:

ClinVar aggregate classification (germline): Uncertain significance (1 of 4 stars; one submission).

Submissions (2):

GeneDx
Classification: Uncertain significance. Last evaluated: 2024-06-09. Review status: criteria provided, single submitter. Criteria: GeneDx Variant Classification Process June 2021. Collection method: clinical testing. Allele origin: germline. Affected: yes.
Comment: Not observed at significant frequency in large population cohorts (gnomAD); In silico analysis supports that this missense variant has a deleterious effect on protein structure/function; Has not been previously published as pathogenic or benign to our knowledge

Dr. Peter K. Rogan Lab, Western University
No classification provided (evidence only). Condition: Thyroid cancer, nonmedullary, 1. Review status: no classification provided. Collection method: in vitro. Allele origin: not applicable. Functional consequence: retained intron. Not counted in ClinVar's aggregate classification.

NM_000381.4(MID1):c.1394C>T (p.Ala465Val)

Gene: MID1 (midline 1; minus strand). Cytogenetic location: Xp22.2.
Variant type: single nucleotide variant.
Coding change: c.1394C>T on transcript NM_000381.4 (MANE Select); coding-DNA position 1394, C replaced by T.
Protein change: p.Ala465Val; replaces alanine 465 with valine.
Molecular consequence: missense variant.
Genome position (GRCh38, 1-based): chrX:10,459,699, G>A on the plus strand (C>T on the coding strand, the complement: MID1 is on the minus strand). VCF-style: chrX-10459699-G-A. GRCh37 (hg19) VCF-style: chrX-10427739-G-A.
Other names: NC_000023.10:g.10427739G>A; c.1394C>T, p.Ala465Val (NM_001098624.2, NM_001193277.1, NM_001347733.2 and 1 more transcripts); c.1280C>T, p.Ala427Val (NM_033289.2); short protein forms A427V, A465V.
Identifiers: ClinVar variation 3390807 (VCV003390807.2).